The following is an entry in ClinVar:

ClinVar aggregate classification (germline): Uncertain significance (1 of 4 stars; one submission).

Conditions:
Neuropathy, hereditary sensory, type 2C. Also called: KIF1A-Related HSAN2 (HSAN2C); Hereditary sensory and autonomic neuropathy type IIC. Identifiers: Orphanet 970, MedGen C3280168, MONDO:0013634, OMIM 614213.
Hereditary spastic paraplegia 30. Identifiers: Orphanet 101010, MedGen C5235139, MONDO:0012476.
Intellectual disability, autosomal dominant 9 (NESCAVS). Also called: KIF1A-Related Neurodevelopmental Disorder; NESCAV SYNDROME. Identifiers: Orphanet 662367, MedGen C5393830, MONDO:0013656, OMIM 614255.

Submission:

Labcorp Genetics (formerly Invitae), Labcorp
Classification: Uncertain significance for Hereditary spastic paraplegia 30; Neuropathy, hereditary sensory, type 2C; Intellectual disability, autosomal dominant 9. Last evaluated: 2024-07-11. Review status: criteria provided, single submitter. Criteria: Invitae Variant Classification Sherloc (09022015). Collection method: clinical testing. Allele origin: germline.
Comment: This sequence change replaces alanine, which is neutral and non-polar, with serine, which is neutral and polar, at codon 68 of the KIF1A protein (p.Ala68Ser). This variant is not present in population databases (gnomAD no frequency). This variant has not been reported in the literature in individuals affected with KIF1A-related conditions. Advanced modeling of protein sequence and biophysical properties (such as structural, functional, and spatial information, amino acid conservation, physicochemical variation, residue mobility, and thermodynamic stability) performed at Invitae indicates that this missense variant is expected to disrupt KIF1A protein function with a positive predictive value of 95%. In summary, the available evidence is currently insufficient to determine the role of this variant in disease. Therefore, it has been classified as a Variant of Uncertain Significance.

NM_001244008.2(KIF1A):c.202G>T (p.Ala68Ser)

Gene: KIF1A (kinesin family member 1A; minus strand). Cytogenetic location: 2q37.3.
Variant type: single nucleotide variant.
Coding change: c.202G>T on transcript NM_001244008.2 (MANE Select); coding-DNA position 202, G replaced by T.
Protein change: p.Ala68Ser; replaces alanine 68 with serine.
Molecular consequence: missense variant.
Genome position (GRCh38, 1-based): chr2:240,788,212, C>A on the plus strand (G>T on the coding strand, the complement: KIF1A is on the minus strand). VCF-style: chr2-240788212-C-A. GRCh37 (hg19) VCF-style: chr2-241727629-C-A.
Other names: c.202G>T, p.Ala68Ser (NM_001320705.2, NM_001330289.2, NM_001330290.2 and 20 more transcripts); short protein forms A68S.
Identifiers: ClinVar variation 3751339 (VCV003751339.2).